The following is an entry in ClinVar:

Single allele

Genes: EED (embryonic ectoderm development; plus strand), TMEM126A (transmembrane protein 126A; plus strand), TMEM126B (transmembrane protein 126B; plus strand), FZD4 (frizzled class receptor 4; minus strand), TMEM135 (transmembrane protein 135; plus strand) and 10 more. Cytogenetic location: 11q14.1-14.2.
Variant type: Deletion.
Identifiers: ClinVar variation 560087 (VCV000560087.3).

ClinVar aggregate classification (germline): Pathogenic (1 of 4 stars; one submission).

Conditions:
Exudative vitreoretinopathy 1 (EVR1). Also called: FEVR, AUTOSOMAL DOMINANT; Familial exudative vitreoretinopathy, autosomal dominant; CRISWICK-SCHEPENS SYNDROME. Identifiers: Orphanet 891, Orphanet 90050, MedGen C1851402, MONDO:0007589, OMIM 133780.

Submission:

Geisinger Autism and Developmental Medicine Institute, Geisinger Health System
Classification: Pathogenic for Exudative vitreoretinopathy 1. Last evaluated: 2017-10-18. Review status: criteria provided, single submitter. Criteria: ACMG CNV Guidelines, 2011. Collection method: provider interpretation. Allele origin: unknown.

Literature cited by the submitters: PubMed 21097938.